The following is an entry in ClinVar:

NM_014804.3(KIAA0753):c.799C>T (p.Arg267Ter)

Gene: KIAA0753 (KIAA0753; minus strand). Cytogenetic location: 17p13.1.
Variant type: single nucleotide variant.
Coding change: c.799C>T on transcript NM_014804.3 (MANE Select); coding-DNA position 799, C replaced by T.
Protein change: p.Arg267Ter; replaces arginine 267 with a stop codon.
Molecular consequence: nonsense. On other transcripts: 5 prime UTR variant (1), non-coding transcript variant (1).
Genome position (GRCh38, 1-based): chr17:6,624,781, G>A on the plus strand (C>T on the coding strand, the complement: KIAA0753 is on the minus strand). VCF-style: chr17-6624781-G-A. GRCh37 (hg19) VCF-style: chr17-6528101-G-A.
Other names: c.-436C>T (NM_001351225.2); short protein forms R267*.
Identifiers: ClinVar variation 1945028 (VCV001945028.7), dbSNP rs868639468, ClinGen allele CA287367769.

ClinVar aggregate classification (germline): Pathogenic/Likely pathogenic. Review status: criteria provided, multiple submitters, no conflicts (2 of 4 stars). 3 submissions from 3 submitters: Pathogenic (2); Likely pathogenic (1). Last evaluated 2024-05-20.

Conditions:
Inborn genetic diseases. Identifiers: MedGen C0950123, MeSH D030342.

Allele frequency attached by ClinVar (database versions not stated): TOPMed below 0.00001; gnomAD 0.00001.
gnomAD v4.1: 27 of 1,561,002 alleles (0.0017%); highest among the groups gnomAD compares: Non-Finnish European, 0.0023%; no homozygotes.

Submissions (3):

GeneDx
Classification: Likely pathogenic. Last evaluated: 2024-05-20. Review status: criteria provided, single submitter. Criteria: GeneDx Variant Classification Process June 2021. Collection method: clinical testing. Allele origin: germline. Affected: yes.
Comment: Nonsense variant predicted to result in protein truncation or nonsense mediated decay in a gene for which loss of function is a known mechanism of disease; Not observed at significant frequency in large population cohorts (gnomAD); Has not been previously published as pathogenic or benign to our knowledge

Labcorp Genetics (formerly Invitae), Labcorp
Classification: Pathogenic. Last evaluated: 2023-08-30. Review status: criteria provided, single submitter. Criteria: Invitae Variant Classification Sherloc (09022015). Collection method: clinical testing. Allele origin: germline.
Comment: This variant has not been reported in the literature in individuals affected with KIAA0753-related conditions. ClinVar contains an entry for this variant (Variation ID: 1945028). For these reasons, this variant has been classified as Pathogenic. This sequence change creates a premature translational stop signal (p.Arg267*) in the KIAA0753 gene. It is expected to result in an absent or disrupted protein product. Loss-of-function variants in KIAA0753 are known to be pathogenic (PMID: 29138412). The frequency data for this variant in the population databases is considered unreliable, as metrics indicate poor data quality at this position in the gnomAD database.

Ambry Genetics
Classification: Pathogenic for Inborn genetic diseases. Last evaluated: 2021-08-27. Review status: criteria provided, single submitter. Criteria: Ambry Variant Classification Scheme 2023. Collection method: clinical testing. Allele origin: germline.
Comment: The c.799C>T (p.R267*) alteration, located in exon 4 (coding exon 3) of the KIAA0753 gene, consists of a C to T substitution at nucleotide position 799. This changes the amino acid from an arginine (R) to a stop codon at amino acid position 267. This alteration is expected to result in loss of function by premature protein truncation or nonsense-mediated mRNA decay. Based on the available evidence, this alteration is classified as pathogenic.

Literature cited by the submitters: PubMed 29138412 (cited by Labcorp Genetics (formerly Invitae), Labcorp).